The following is an entry in ClinVar:

NM_033064.5(ATCAY):c.866+6A>G

Gene: ATCAY (ATCAY kinesin light chain interacting caytaxin; plus strand). Cytogenetic location: 19p13.3.
Variant type: single nucleotide variant.
Coding change: c.866+6A>G on transcript NM_033064.5 (MANE Select); 6 bases into the intron after coding-DNA position 866, A replaced by G.
Molecular consequence: intron variant.
Genome position (GRCh38, 1-based): chr19:3,910,895, A>G. VCF-style: chr19-3910895-A-G. GRCh37 (hg19) VCF-style: chr19-3910893-A-G.
Other names: p.?.
Identifiers: ClinVar variation 329152 (VCV000329152.10), dbSNP rs116660680, ClinGen allele CA9087340.

ClinVar aggregate classification (germline): Benign. Review status: criteria provided, multiple submitters, no conflicts (2 of 4 stars). 3 submissions from 3 submitters: Benign (3). Last evaluated 2024-07-24.

Conditions:
Cayman type cerebellar ataxia. Also called: Cayman ataxia. Identifiers: Orphanet 94122, MedGen C1832585, MONDO:0011025, OMIM 601238.

Allele frequency attached by ClinVar (database versions not stated): gnomAD exomes 0.00091 and 0.00238; ExAC 0.00266; ESP Exome Variant Server 0.00863; gnomAD 0.01013 and 0.01088; TOPMed 0.01127; 1000 Genomes Project 0.01338; 1000 Genomes Project 30x 0.01359.
gnomAD v4.1: 2,948 of 1,613,834 alleles (0.18%); highest among the groups gnomAD compares: African/African-American, 3.4%; 55 homozygotes.

Submissions (3):

Mayo Clinic Laboratories, Mayo Clinic
Classification: Benign. Last evaluated: 2024-07-24. Review status: criteria provided, single submitter. Criteria: ACMG Guidelines, 2015. Collection method: clinical testing. Allele origin: germline. Observed: 4 variant alleles.
Comment: BS1, BS2, BP4, BP7

Labcorp Genetics (formerly Invitae), Labcorp
Classification: Benign. Last evaluated: 2019-12-31. Review status: criteria provided, single submitter. Criteria: Invitae Variant Classification Sherloc (09022015). Collection method: clinical testing. Allele origin: germline.

Illumina Laboratory Services, Illumina
Classification: Benign for Cayman type cerebellar ataxia. Last evaluated: 2018-01-13. Review status: criteria provided, single submitter. Criteria: ICSL Variant Classification Criteria 13 December 2019. Collection method: clinical testing. Allele origin: germline.
Comment: This variant was observed in the ICSL laboratory as part of a predisposition screen in an ostensibly healthy population. It had not been previously curated by ICSL or reported in the Human Gene Mutation Database (HGMD: prior to June 1st, 2018), and was therefore a candidate for classification through an automated scoring system. Utilizing variant allele frequency, disease prevalence and penetrance estimates, and inheritance mode, an automated score was calculated to assess if this variant is too frequent to cause the disease. Based on the score and internal cut-off values, a variant classified as benign is not then subjected to further curation. The score for this variant resulted in a classification of benign for this disease.